The following is an entry in ClinVar:

NM_001003891.3(MED15):c.633GCA[9] (p.Gln218_His219insGln)

Gene: MED15 (mediator complex subunit 15; plus strand). Cytogenetic location: 22q11.21.
Variant type: Microsatellite.
Coding change: c.633GCA[9] on transcript NM_001003891.3 (MANE Select); nine copies in a row of the 3-base unit GCA starting at c.633; the reference has eight copies in a row; one copy, 3 bases duplicated.
Protein change: p.Gln218_His219insGln.
Molecular consequence: inframe insertion.
Genome position (GRCh38, 1-based): chr22:20,564,652-20,564,654, GCA duplicated; duplicating any 3 consecutive bases within chr22:20,564,629-20,564,654 gives the same sequence; the position shown is the placement nearest the transcript's 3' end. VCF-style (leftmost placement, unchanged base first): chr22-20564628-C-CCAG. GRCh37 (hg19) VCF-style: chr22-20918915-C-CCAG.
Other names: c.633GCA[9], p.Gln218_His219insGln (NM_001293234.2, NM_015889.5); c.555GCA[9], p.Gln192_His193insGln (NM_001293235.2, NM_001293237.2); c.420GCA[9], p.Gln147_His148insGln (NM_001293236.2).
Identifiers: ClinVar variation 2652902 (VCV002652902.24), dbSNP rs374794651, ClinGen allele CA10113524.

ClinVar aggregate classification (germline): Likely benign (1 of 4 stars; one submission).

Submission:

CeGaT Center for Human Genetics Tuebingen
Classification: Likely benign. Last evaluated: 2022-12-01. Review status: criteria provided, single submitter. Criteria: CeGaT Center For Human Genetics Tuebingen Variant Classification Criteria Version 2. Collection method: clinical testing. Allele origin: germline. Affected: yes. Observed: 1 variant allele.
Comment: MED15: BS2